The following is an entry in ClinVar:

NM_145199.3(LIPT1):c.754G>T (p.Asp252Tyr)

Genes: MITD1 (microtubule interacting and trafficking domain containing 1; minus strand), LIPT1 (lipoyltransferase 1; plus strand). Cytogenetic location: 2q11.2.
Variant type: single nucleotide variant.
Coding change: c.754G>T on transcript NM_145199.3 (MANE Select); coding-DNA position 754, G replaced by T.
Protein change: p.Asp252Tyr; replaces aspartic acid 252 with tyrosine.
Molecular consequence: missense variant. On other transcripts: non-coding transcript variant (2).
Genome position (GRCh38, 1-based): chr2:99,162,711, G>T. VCF-style: chr2-99162711-G-T. GRCh37 (hg19) VCF-style: chr2-99779174-G-T.
Other names: c.754G>T, p.Asp252Tyr (NM_001204830.2, NM_015929.4, NM_145197.3 and 1 more transcripts); short protein forms D252Y.
Identifiers: ClinVar variation 2104517 (VCV002104517.4), dbSNP rs750305370, ClinGen allele CA347854839.

ClinVar aggregate classification (germline): Uncertain significance (1 of 4 stars; one submission).

Submission:

Labcorp Genetics (formerly Invitae), Labcorp
Classification: Uncertain significance. Last evaluated: 2022-09-19. Review status: criteria provided, single submitter. Criteria: Invitae Variant Classification Sherloc (09022015). Collection method: clinical testing. Allele origin: germline.
Comment: This variant is not present in population databases (gnomAD no frequency). In summary, the available evidence is currently insufficient to determine the role of this variant in disease. Therefore, it has been classified as a Variant of Uncertain Significance. Algorithms developed to predict the effect of missense changes on protein structure and function (SIFT, PolyPhen-2, Align-GVGD) all suggest that this variant is likely to be disruptive. This variant has not been reported in the literature in individuals affected with LIPT1-related conditions. This sequence change replaces aspartic acid, which is acidic and polar, with tyrosine, which is neutral and polar, at codon 252 of the LIPT1 protein (p.Asp252Tyr).